The following is an entry in ClinVar:

ClinVar aggregate classification (germline): Benign/Likely benign. Review status: criteria provided, multiple submitters, no conflicts (2 of 4 stars). 6 submissions from 6 submitters: Benign (4); Likely benign (2). Last evaluated 2026-01-24.

Conditions:
Retinitis pigmentosa 13 (RP13). Also called: PRPF 8-Related Retinitis Pigmentosa. Identifiers: Orphanet 791, MedGen C1838702, MONDO:0010806, OMIM 600059.
Retinitis pigmentosa (RP). Identifiers: Orphanet 791, MedGen C0035334, MeSH D012174, MONDO:0019200, OMIM 268000. Inheritance: Autosomal dominant, autosomal recessive and X linked inheritance.

Allele frequency attached by ClinVar (database versions not stated): gnomAD exomes 0.00049 and 0.00138; ExAC 0.00175; 1000 Genomes Project 0.00419; 1000 Genomes Project 30x 0.00453; gnomAD 0.00553 and 0.00600; TOPMed 0.00616; ESP Exome Variant Server 0.00684.
gnomAD v4.1: 1,576 of 1,614,222 alleles (0.098%); highest among the groups gnomAD compares: African/African-American, 1.9%; 10 homozygotes.

Submissions (6):

Labcorp Genetics (formerly Invitae), Labcorp
Classification: Benign. Last evaluated: 2026-01-24. Review status: criteria provided, single submitter. Criteria: Invitae Variant Classification Sherloc (09022015). Collection method: clinical testing. Allele origin: germline.

Blueprint Genetics
Classification: Likely benign. Last evaluated: 2024-11-26. Review status: criteria provided, single submitter. Criteria: ACMG Guidelines, 2015. Collection method: clinical testing. Allele origin: germline.

Fulgent Genetics
Classification: Likely benign for Retinitis pigmentosa 13. Last evaluated: 2021-10-14. Review status: criteria provided, single submitter. Criteria: ACMG Guidelines, 2015. Collection method: clinical testing. Allele origin: unknown.

ARUP Laboratories, Molecular Genetics and Genomics, ARUP Laboratories
Classification: Benign for Retinitis pigmentosa 13. Last evaluated: 2019-11-21. Review status: criteria provided, single submitter. Criteria: ARUP Molecular Germline Variant Investigation Process. Collection method: clinical testing. Allele origin: germline.

Illumina Laboratory Services, Illumina
Classification: Benign for Retinitis pigmentosa. Last evaluated: 2018-01-13. Review status: criteria provided, single submitter. Criteria: ICSL Variant Classification Criteria 13 December 2019. Collection method: clinical testing. Allele origin: germline.
Comment: This variant was observed in the ICSL laboratory as part of a predisposition screen in an ostensibly healthy population. It had not been previously curated by ICSL or reported in the Human Gene Mutation Database (HGMD: prior to June 1st, 2018), and was therefore a candidate for classification through an automated scoring system. Utilizing variant allele frequency, disease prevalence and penetrance estimates, and inheritance mode, an automated score was calculated to assess if this variant is too frequent to cause the disease. Based on the score and internal cut-off values, a variant classified as benign is not then subjected to further curation. The score for this variant resulted in a classification of benign for this disease.

Breakthrough Genomics
Classification: Benign. Review status: criteria provided, single submitter. Criteria: ACMG Guidelines, 2015. Collection method: not provided. Allele origin: germline. Inheritance: Autosomal dominant inheritance. Affected: yes.

NM_006445.4(PRPF8):c.5469C>T (p.His1823=)

Gene: PRPF8 (pre-mRNA processing factor 8; minus strand). Cytogenetic location: 17p13.3.
Variant type: single nucleotide variant.
Coding change: c.5469C>T on transcript NM_006445.4 (MANE Select); coding-DNA position 5469, C replaced by T.
Protein change: p.His1823=; no amino-acid change (histidine 1823 retained).
Molecular consequence: synonymous variant.
Genome position (GRCh38, 1-based): chr17:1,658,289, G>A on the plus strand (C>T on the coding strand, the complement: PRPF8 is on the minus strand). VCF-style: chr17-1658289-G-A. GRCh37 (hg19) VCF-style: chr17-1561583-G-A.
Identifiers: ClinVar variation 321879 (VCV000321879.24), dbSNP rs115404141, ClinGen allele CA8271413.